The following is an entry in ClinVar:

NM_172250.3(MMAA):c.966A>G (p.Pro322=)

Gene: MMAA (metabolism of cobalamin associated A; plus strand). Cytogenetic location: 4q31.21.
Variant type: single nucleotide variant.
Coding change: c.966A>G on transcript NM_172250.3 (MANE Select); coding-DNA position 966, A replaced by G.
Protein change: p.Pro322=; no amino-acid change (proline 322 retained).
Molecular consequence: synonymous variant.
Genome position (GRCh38, 1-based): chr4:145,654,140, A>G. VCF-style: chr4-145654140-A-G. GRCh37 (hg19) VCF-style: chr4-146575292-A-G.
Other names: c.966A>G, p.Pro322= (NM_001375644.1).
Identifiers: ClinVar variation 721179 (VCV000721179.19), dbSNP rs150692463, ClinGen allele CA3095317.

ClinVar aggregate classification (germline): Conflicting classifications of pathogenicity. Review status: criteria provided, conflicting classifications (1 of 4 stars). 5 submissions from 5 submitters: Uncertain significance (1); Likely benign (2). 2 of the submissions do not count toward it. Last evaluated 2026-08-01.

Conditions:
MMAA-related disorder. Also called: MMAA-related condition.
Methylmalonic aciduria, cblA type (MACA). Also called: Vitamin B12-responsive methylmalonic acidemia type cblA; Methylmalonic aciduria, vitamin b12-responsive, due to defect in synthesis of adenosylcobalamin, cbla complementation type; MMA cbl A type; Methylmalonic acidemia cblA type; Methylmalonic aciduria, vitamin B12-responsive. Identifiers: Orphanet 28, Orphanet 79310, MedGen C1855109, MONDO:0009613, OMIM 251100.

Allele frequency attached by ClinVar (database versions not stated): ESP Exome Variant Server 0.00038; gnomAD exomes 0.00060 and 0.00088; ExAC 0.00068; gnomAD 0.00068 and 0.00073; TOPMed 0.00074.

Submissions (5):

CeGaT Center for Human Genetics Tuebingen
Classification: Likely benign. Last evaluated: 2026-08-01. Review status: criteria provided, single submitter. Criteria: CeGaT Center For Human Genetics Tuebingen Variant Classification Criteria Version 2. Collection method: clinical testing. Allele origin: germline. Affected: yes. Observed: 1 variant allele.
Comment: MMAA: BP4, BP7

Labcorp Genetics (formerly Invitae), Labcorp
Classification: Likely benign for Methylmalonic aciduria, cblA type. Last evaluated: 2026-01-19. Review status: criteria provided, single submitter. Criteria: Invitae Variant Classification Sherloc (09022015). Collection method: clinical testing. Allele origin: germline.

Illumina Laboratory Services, Illumina
Classification: Uncertain significance for Methylmalonic aciduria, cblA type. Last evaluated: 2018-01-12. Review status: criteria provided, single submitter. Criteria: ICSL Variant Classification Criteria 13 December 2019. Collection method: clinical testing. Allele origin: germline.

Natera, Inc.
Classification: Uncertain significance for Methylmalonic aciduria cblA type. Last evaluated: 2020-04-16. Review status: no assertion criteria provided. Collection method: clinical testing. Allele origin: germline. Not counted in ClinVar's aggregate classification.

PreventionGenetics, part of Exact Sciences
Classification: Likely benign for MMAA-related condition. Last evaluated: 2020-02-24. Review status: no assertion criteria provided. Collection method: clinical testing. Allele origin: germline. Not counted in ClinVar's aggregate classification.
Comment: This variant is classified as likely benign based on ACMG/AMP sequence variant interpretation guidelines (Richards et al. 2015 PMID: 25741868, with internal and published modifications).